The following is an entry in ClinVar:

NM_001287.6(CLCN7):c.85C>T (p.Arg29Trp)

Genes: CLCN7 (Cl-/H+ antiporter 7; minus strand), LOC130058166 (ATAC-STARR-seq lymphoblastoid silent region 6986; plus strand). Cytogenetic location: 16p13.3.
Variant type: single nucleotide variant.
Coding change: c.85C>T on transcript NM_001287.6 (MANE Select); coding-DNA position 85, C replaced by T.
Protein change: p.Arg29Trp; replaces arginine 29 with tryptophan.
Molecular consequence: missense variant.
Genome position (GRCh38, 1-based): chr16:1,474,890, G>A on the plus strand (C>T on the coding strand, the complement: CLCN7 is on the minus strand). VCF-style: chr16-1474890-G-A. GRCh37 (hg19) VCF-style: chr16-1524891-G-A.
Other names: c.85C>T, p.Arg29Trp (NM_001114331.3); short protein forms R29W.
Identifiers: ClinVar variation 1387093 (VCV001387093.6), dbSNP rs995151548, ClinGen allele CA394194078.
Genomic context (GRCh38, chr16:1,474,890, plus strand): 5'-TCACCTGGCGCGCAGCCCCAGGCCCAGCCCCGTTCAGCAGCGGCGTCCCCCCGCCGGGCC[G>A]CGCCGTCCTCCGCAGCAGCGGCGCCGCCTCCTCGTCGTCCCGGTCCCGGCCGGACCAGGA-3'
Protein context (NP_001278.1, residues 19-39): EAAPLLRRTA[Arg29Trp]PGGGTPLLNG

ClinVar aggregate classification (germline): Uncertain significance (1 of 4 stars; one submission).

Submission:

Labcorp Genetics (formerly Invitae), Labcorp
Classification: Uncertain significance. Last evaluated: 2025-03-06. Review status: criteria provided, single submitter. Criteria: Invitae Variant Classification Sherloc (09022015). Collection method: clinical testing. Allele origin: germline.
Comment: This sequence change replaces arginine, which is basic and polar, with tryptophan, which is neutral and slightly polar, at codon 29 of the CLCN7 protein (p.Arg29Trp). This variant is not present in population databases (gnomAD no frequency). This variant has not been reported in the literature in individuals affected with CLCN7-related conditions. ClinVar contains an entry for this variant (Variation ID: 1387093). An algorithm developed to predict the effect of missense changes on protein structure and function (PolyPhen-2) suggests that this variant is likely to be tolerated. In summary, the available evidence is currently insufficient to determine the role of this variant in disease. Therefore, it has been classified as a Variant of Uncertain Significance.